The following is an entry in ClinVar:

NM_001134363.3(RBM20):c.*1553G>A

Gene: RBM20 (RNA binding motif protein 20; plus strand). Cytogenetic location: 10q25.2.
Variant type: single nucleotide variant.
Coding change: c.*1553G>A on transcript NM_001134363.3 (MANE Select); 1553 bases downstream of the stop codon, G replaced by A.
Molecular consequence: 3 prime UTR variant.
Genome position (GRCh38, 1-based): chr10:110,837,531, G>A. VCF-style: chr10-110837531-G-A. GRCh37 (hg19) VCF-style: chr10-112597289-G-A.
Other names: c.*1553G>A (LRG_382t1).
Identifiers: ClinVar variation 298832 (VCV000298832.6), dbSNP rs41292598, ClinGen allele CA10631008.

ClinVar aggregate classification (germline): Benign. Review status: criteria provided, multiple submitters, no conflicts (2 of 4 stars). 2 submissions from 2 submitters: Benign (2). Last evaluated 2018-01-13.

Conditions:
Dilated cardiomyopathy 1DD (CMD1DD). Identifiers: Orphanet 154, MedGen C2750995, MONDO:0013168, OMIM 613172.

Allele frequency attached by ClinVar (database versions not stated): 1000 Genomes Project 30x 0.09744; 1000 Genomes Project 0.09784; gnomAD exomes 0.11765; TOPMed 0.16433; gnomAD 0.18418.

Submissions (2):

Illumina Laboratory Services, Illumina
Classification: Benign for Dilated cardiomyopathy 1DD. Last evaluated: 2018-01-13. Review status: criteria provided, single submitter. Criteria: ICSL Variant Classification Criteria 13 December 2019. Collection method: clinical testing. Allele origin: germline.
Comment: This variant was observed in the ICSL laboratory as part of a predisposition screen in an ostensibly healthy population. It had not been previously curated by ICSL or reported in the Human Gene Mutation Database (HGMD: prior to June 1st, 2018), and was therefore a candidate for classification through an automated scoring system. Utilizing variant allele frequency, disease prevalence and penetrance estimates, and inheritance mode, an automated score was calculated to assess if this variant is too frequent to cause the disease. Based on the score and internal cut-off values, a variant classified as benign is not then subjected to further curation. The score for this variant resulted in a classification of benign for this disease.

Breakthrough Genomics
Classification: Benign. Review status: criteria provided, single submitter. Criteria: ACMG Guidelines, 2015. Collection method: not provided. Allele origin: germline. Inheritance: Autosomal dominant inheritance. Affected: yes.